The following is an entry in ClinVar:

ClinVar aggregate classification (germline): Benign/Likely benign. Review status: criteria provided, multiple submitters, no conflicts (2 of 4 stars). 4 submissions from 4 submitters: Benign (1); Likely benign (3). Last evaluated 2026-03-01.

Conditions:
Anterior segment dysgenesis 7 (ASGD7). Also called: SCLEROCORNEA WITH OTHER OCULAR ANOMALIES; Anterior segment dysgenesis 7, with sclerocornea. Identifiers: Orphanet 289499, MedGen C3151617, MONDO:0010015, OMIM 269400.

Allele frequency attached by ClinVar (database versions not stated): 1000 Genomes Project 30x 0.00047; 1000 Genomes Project 0.00060; TOPMed 0.00095; ESP Exome Variant Server 0.00135; gnomAD 0.00213 and 0.00223; ExAC 0.00289.
gnomAD v4.1: 2,488 of 1,614,042 alleles (0.15%); highest among the groups gnomAD compares: Non-Finnish European, 0.11%; 12 homozygotes.

Submissions (4):

CeGaT Center for Human Genetics Tuebingen
Classification: Likely benign. Last evaluated: 2026-03-01. Review status: criteria provided, single submitter. Criteria: CeGaT Center For Human Genetics Tuebingen Variant Classification Criteria Version 2. Collection method: clinical testing. Allele origin: germline. Affected: yes. Observed: 6 variant alleles.
Comment: PXDN: BP4, BP7

Labcorp Genetics (formerly Invitae), Labcorp
Classification: Benign for Anterior segment dysgenesis 7. Last evaluated: 2026-01-19. Review status: criteria provided, single submitter. Criteria: Invitae Variant Classification Sherloc (09022015). Collection method: clinical testing. Allele origin: germline.

GeneDx
Classification: Likely benign. Last evaluated: 2018-06-26. Review status: criteria provided, single submitter. Criteria: GeneDx Variant Classification Process June 2021. Collection method: clinical testing. Allele origin: germline. Affected: yes.

Breakthrough Genomics
Classification: Likely benign. Review status: criteria provided, single submitter. Criteria: ACMG Guidelines, 2015. Collection method: not provided. Allele origin: germline. Inheritance: Autosomal recessive inheritance. Affected: yes.

NM_012293.3(PXDN):c.1176G>T (p.Thr392=)

Gene: PXDN (peroxidasin; minus strand). Cytogenetic location: 2p25.3.
Variant type: single nucleotide variant.
Coding change: c.1176G>T on transcript NM_012293.3 (MANE Select); coding-DNA position 1176, G replaced by T.
Protein change: p.Thr392=; no amino-acid change (threonine 392 retained).
Molecular consequence: synonymous variant.
Genome position (GRCh38, 1-based): chr2:1,666,329, C>A on the plus strand (G>T on the coding strand, the complement: PXDN is on the minus strand). VCF-style: chr2-1666329-C-A. GRCh37 (hg19) VCF-style: chr2-1670101-C-A.
Identifiers: ClinVar variation 707542 (VCV000707542.36), dbSNP rs140056124, ClinGen allele CA1513417.